The following is an entry in ClinVar:

NC_000011.9:g.(?_3845093)_(4045237_?)dup

Genes: PGAP2 (post-GPI attachment to proteins 2; plus strand), RHOG (ras homolog family member G; minus strand), STIM1 (stromal interaction molecule 1; plus strand). Cytogenetic location: 11p15.4.
Variant type: Duplication.
Identifiers: ClinVar variation 3244588 (VCV003244588.1).

ClinVar aggregate classification (germline): Uncertain significance (1 of 4 stars; one submission).

Conditions:
Combined immunodeficiency due to STIM1 deficiency. Also called: STIM1 DEFICIENCY; IMMUNODEFICIENCY 10. Identifiers: Orphanet 169090, Orphanet 317430, MedGen C2748557, MONDO:0013008, OMIM 612783.
Stormorken syndrome (STRMK). Also called: THROMBOCYTOPATHY, ASPLENIA, AND MIOSIS. Identifiers: Orphanet 3204, MedGen C1861451, MONDO:0008497, OMIM 185070.
Myopathy with tubular aggregates (TAM). Also called: Tubular Aggregate Myopathy. Identifiers: Orphanet 2593, MedGen C0410207, MONDO:0008051.

Submission:

Labcorp Genetics (formerly Invitae), Labcorp
Classification: Uncertain significance for Myopathy with tubular aggregates; Combined immunodeficiency due to STIM1 deficiency; Stormorken syndrome. Last evaluated: 2023-09-12. Review status: criteria provided, single submitter. Criteria: Invitae Variant Classification Sherloc (09022015). Collection method: clinical testing. Allele origin: unknown.
Comment: In summary, the available evidence is currently insufficient to determine the role of this variant in disease. Therefore, it has been classified as a Variant of Uncertain Significance. Experimental studies and prediction algorithms are not available or were not evaluated, and the functional significance of this variant is currently unknown. This variant has not been reported in the literature in individuals affected with STIM1-related conditions. This variant results in a copy number gain of the genomic region encompassing exon(s) 1-3 of the STIM1 gene. This region includes the initiator codon of the gene. This copy number gain extends beyond the assayed region for this gene and therefore may encompass additional genes. As the precise location of this event is unknown, it may be in tandem or it may be located elsewhere in the genome.